The following is an entry in ClinVar:

ClinVar aggregate classification (germline): VUS-mid (1 of 4 stars; one submission).

Conditions:
Charcot-Marie-Tooth disease type 2T. Identifiers: Orphanet 495274, MedGen CN294759, MONDO:0044640.

gnomAD v4.1: 2 of 1,613,332 alleles (0.00012%); highest among the groups gnomAD compares: South Asian, 0.0022%; no homozygotes.

Submission:

Clinical Omics and Informatics (COIN) Unit, Neuroscience Institute, University Of Cape Town
Classification: VUS-mid for Charcot-Marie-Tooth disease type 2T. Last evaluated: 2026-06-12. Review status: criteria provided, single submitter. Criteria: ACMG Guidelines, 2015. Collection method: research. Allele origin: germline. Inheritance: Autosomal recessive inheritance. Affected: yes. Observed: 2 variant alleles, 2 homozygotes.
Comment: The highest population allele frequency in gnomAD v4 is 0.00002196 (0,002%, 2/91078 alleles in the South Asian population), no homozygous observations were noted. The variant is absent from AGVD. PP1_Met: 1 informative meiosis in 1 family. PM3_supporting: 0.5 points awarded for homozygous observation in proband under assessment. PVS1_Moderate: Nonsense variant, not predict to undergo NMD, role of region in protein function is unknown, LoF variants in this exon are not frequent in the general population and exon is present in a biologically-relevant transcript, variant removes <10% of protein. Sequencing funded by the International Centre for Genomic Medicine in Neuromuscular Diseases (ICGNMD)

NM_007289.4(MME):c.2170C>T (p.Gln724Ter)

Gene: MME (membrane metalloendopeptidase; plus strand). Cytogenetic location: 3q25.2.
Variant type: single nucleotide variant.
Coding change: c.2170C>T on transcript NM_007289.4 (MANE Select); coding-DNA position 2170, C replaced by T.
Protein change: p.Gln724Ter; replaces glutamine 724 with a stop codon.
Molecular consequence: nonsense.
Genome position (GRCh38, 1-based): chr3:155,180,376, C>T. VCF-style: chr3-155180376-C-T. GRCh37 (hg19) VCF-style: chr3-154898165-C-T.
Other names: c.2170C>T, p.Gln724Ter (NM_000902.5, NM_001354642.2, NM_001354643.1 and 2 more transcripts); short protein forms Q724*.
Identifiers: ClinVar variation 4856389 (VCV004856389.1).